The following is an entry in ClinVar:

ClinVar aggregate classification (germline): Pathogenic (1 of 4 stars; one submission).

Conditions:
Nemaline myopathy 2 (NEM2). Also called: Nemaline myopathy 2, autosomal recessive. Identifiers: MedGen C1850569, MONDO:0009725, OMIM 256030.

Submission:

Myriad Genetics, Inc.
Classification: Pathogenic for Nemaline myopathy 2. Last evaluated: 2025-04-15. Review status: criteria provided, single submitter. Criteria: Myriad Autosomal Dominant, Autosomal Recessive and X-Linked Classification Criteria (2023). Collection method: clinical testing. Allele origin: unknown.
Comment: NM_001271208.1(NEB):c.1047delA(E350Kfs*26) is expected to be pathogenic in the context of NEB-related nemaline myopathy. This variant is predicted to lead to an abnormal or absent protein product due to the creation of a premature termination codon in NEB, a gene where loss-of-function variants are known to be pathogenic. Please note: this variant was assessed in the context of healthy population screening.

NM_001164508.2(NEB):c.1047del (p.Glu350fs)

Gene: NEB (nebulin; minus strand). Cytogenetic location: 2q23.3.
Variant type: Deletion.
Coding change: c.1047del on transcript NM_001164508.2 (MANE Select); coding-DNA position 1047, one base deleted (A; older notation c.1047delA).
Protein change: p.Glu350fs; shifts the reading frame from glutamic acid 350.
Molecular consequence: frameshift variant.
Genome position (GRCh38, 1-based): chr2:151,706,986, T deleted on the plus strand (A on the coding strand, the reverse complement: NEB is on the minus strand); the first of 3 consecutive T bases (chr2:151,706,986-151,706,988); deleting any one gives the same sequence. VCF-style (leftmost placement, unchanged base first): chr2-151706985-CT-C. GRCh37 (hg19) VCF-style: chr2-152563499-CT-C.
Other names: c.1047del, p.Glu350fs (NM_001164507.2, NM_001271208.2, NM_004543.5); short protein forms E350fs.
Identifiers: ClinVar variation 5014328 (VCV005014328.1).